The following is an entry in ClinVar:

NM_001374353.1(GLI2):c.3028C>T (p.Arg1010Trp)

Gene: GLI2 (GLI family zinc finger 2; plus strand). Cytogenetic location: 2q14.2.
Variant type: single nucleotide variant.
Coding change: c.3028C>T on transcript NM_001374353.1 (MANE Select); coding-DNA position 3028, C replaced by T.
Protein change: p.Arg1010Trp; replaces arginine 1010 with tryptophan.
Molecular consequence: missense variant.
Genome position (GRCh38, 1-based): chr2:120,988,993, C>T. VCF-style: chr2-120988993-C-T. GRCh37 (hg19) VCF-style: chr2-121746569-C-T.
Other names: c.3079C>T, p.Arg1027Trp (NM_001371271.1, NM_005270.5); c.2653C>T, p.Arg885Trp (NM_001374354.1); c.3079C>T (NM_005270.4); short protein forms R1010W, R1027W, R885W.
Identifiers: ClinVar variation 1050273 (VCV001050273.2), dbSNP rs1404870952, ClinGen allele CA348171077.

ClinVar aggregate classification (germline): Uncertain significance. Review status: criteria provided, single submitter (1 of 4 stars). 2 submissions from 2 submitters: Uncertain significance (1). 1 of the submissions does not count toward it. Last evaluated 2024-11-27.

Conditions:
Inborn genetic diseases. Identifiers: MedGen C0950123, MeSH D030342.

Allele frequency attached by ClinVar (database versions not stated): TOPMed 0.00001.
gnomAD v4.1: 4 of 1,586,622 alleles (0.00025%); highest among the groups gnomAD compares: African/African-American, 0.0013%; no homozygotes.

Submissions (2):

Ambry Genetics
Classification: Uncertain significance for Inborn genetic diseases. Last evaluated: 2024-11-27. Review status: criteria provided, single submitter. Criteria: Ambry Variant Classification Scheme 2023. Collection method: clinical testing. Allele origin: germline.

Department of Pathology and Laboratory Medicine, Sinai Health System
Classification: Uncertain significance. Review status: no assertion criteria provided. Collection method: clinical testing. Allele origin: unknown. Affected: yes. Study: The Canadian Open Genetics Repository (COGR). Not counted in ClinVar's aggregate classification.
Comment: The GLI2 p.Arg1027Trp variant was not identified in the literature nor was it identified in ClinVar. The variant was identified in dbSNP (ID: rs1404870952) but was not identified in the following control databases: the 1000 Genomes Project, the NHLBI GO Exome Sequencing Project, or the Genome Aggregation Database (March 6, 2019, v2.1.1). The p.Arg1027 residue is conserved across mammals and other organisms, and four out of five computational analyses (PolyPhen-2, SIFT, AlignGVGD, BLOSUM, MutationTaster) suggest that the variant may impact the protein; however, this information is not predictive enough to assume pathogenicity. The variant occurs outside of the splicing consensus sequence and in silico or computational prediction software programs (SpliceSiteFinder, MaxEntScan, NNSPLICE, GeneSplicer) do not predict a difference in splicing. In summary, based on the above information the clinical significance of this variant cannot be determined with certainty at this time. This variant is classified as a variant of uncertain significance.